The following is an entry in ClinVar:

ClinVar aggregate classification (germline): Uncertain significance (1 of 4 stars; one submission).

Conditions:
Primary ciliary dyskinesia. Also called: Ciliary dyskinesia. Identifiers: Orphanet 244, MedGen C0008780, MONDO:0016575, HP:0012265.

Allele frequency attached by ClinVar (database versions not stated): gnomAD exomes 0.00001; ExAC 0.00005; TOPMed 0.00012; ESP Exome Variant Server 0.00015; gnomAD 0.00015.
gnomAD v4.1: 37 of 1,613,672 alleles (0.0023%); highest among the groups gnomAD compares: African/African-American, 0.041%; no homozygotes.

Submission:

Labcorp Genetics (formerly Invitae), Labcorp
Classification: Uncertain significance for Primary ciliary dyskinesia. Last evaluated: 2025-11-10. Review status: criteria provided, single submitter. Criteria: Invitae Variant Classification Sherloc (09022015). Collection method: clinical testing. Allele origin: germline.
Comment: This sequence change replaces threonine, which is neutral and polar, with alanine, which is neutral and non-polar, at codon 1958 of the DNAH8 protein (p.Thr1958Ala). This variant is present in population databases (rs150691309, gnomAD 0.04%). This variant has not been reported in the literature in individuals affected with DNAH8-related conditions. ClinVar contains an entry for this variant (Variation ID: 2139250). Invitae Evidence Modeling of protein sequence and biophysical properties (such as structural, functional, and spatial information, amino acid conservation, physicochemical variation, residue mobility, and thermodynamic stability) indicates that this missense variant is expected to disrupt DNAH8 protein function with a positive predictive value of 80%. In summary, the available evidence is currently insufficient to determine the role of this variant in disease. Therefore, it has been classified as a Variant of Uncertain Significance.

NM_001206927.2(DNAH8):c.5872A>G (p.Thr1958Ala)

Gene: DNAH8 (dynein axonemal heavy chain 8; plus strand). Cytogenetic location: 6p21.2.
Variant type: single nucleotide variant.
Coding change: c.5872A>G on transcript NM_001206927.2 (MANE Select); coding-DNA position 5872, A replaced by G.
Protein change: p.Thr1958Ala; replaces threonine 1958 with alanine.
Molecular consequence: missense variant.
Genome position (GRCh38, 1-based): chr6:38,857,656, A>G. VCF-style: chr6-38857656-A-G. GRCh37 (hg19) VCF-style: chr6-38825432-A-G.
Other names: c.5221A>G, p.Thr1741Ala (NM_001371.4); short protein forms T1958A, T1741A.
Identifiers: ClinVar variation 2139250 (VCV002139250.3), dbSNP rs150691309, ClinGen allele CA3789497.
Genomic context (GRCh38, chr6:38,857,656, plus strand): 5'-ATCATGCAAGTGACCAATCAGAAATTTTTGGATATTCTAAATACTCTCATTAGTCAGACA[A>G]CACATGATCTAAGCAAGTTTGATAGAGTGAAGTTCGAGACTCTAATTACCATCCATGTGC-3'
Protein context (NP_001193856.1, residues 1948-1968): DILNTLISQT[Thr1958Ala]HDLSKFDRVK